The following is an entry in ClinVar:

NM_007294.4(BRCA1):c.5277+2307del

Gene: BRCA1 (BRCA1 DNA repair associated; minus strand). Cytogenetic location: 17q21.31.
Variant type: Deletion.
Coding change: c.5277+2307del on transcript NM_007294.4 (MANE Select); 2307 bases into the intron after coding-DNA position 5277, one base deleted (A; older notation c.5277+2307delA).
Molecular consequence: intron variant.
Genome position (GRCh38, 1-based): chr17:43,054,745, T deleted on the plus strand (A on the coding strand, the reverse complement: BRCA1 is on the minus strand); the first of 16 consecutive T bases (chr17:43,054,745-43,054,760); deleting any one gives the same sequence. VCF-style (leftmost placement, unchanged base first): chr17-43054744-AT-A. GRCh37 (hg19) VCF-style: chr17-41206761-AT-A.
Other names: c.1848+2307del (NM_001408421.1, NM_001408424.1, NM_001408422.1 and 1 more transcripts); c.1965+2307del (NM_001407991.1, NM_001407984.1, NM_001407983.1 and 12 more transcripts); c.5271+2307del (NM_001407631.1, NM_001407638.1, NM_001407628.1 and 14 more transcripts); c.1845+2307del (NM_001408427.1, NM_001408431.1, NM_001408425.1 and 4 more transcripts); c.5154+2307del (NM_001407668.1, NM_001407664.1, NM_001407666.1 and 6 more transcripts); c.5274+2307del (NM_001407622.1, NM_001407860.1, NM_001407611.1 and 17 more transcripts); c.5277+2307del (NM_001407602.1, NM_001407597.1, NM_001407605.1 and 7 more transcripts); c.5340+2307del (NM_001407585.1, NM_007300.4, NM_001407583.1 and 1 more transcripts); and 72 more.
Identifiers: ClinVar variation 264843 (VCV000264843.2), dbSNP rs11347376, ClinGen allele CA10588189.
Genomic context (GRCh38, chr17:43,054,744, plus strand): 5'-TCCTGCCTTGGCCTCCTAAAGTGCTGGGATTACAGAAGTGAGCCGCTGTGCCCAGCTGGG[AT>A]TTTTTTTTTTTTTTTGAGATGAAGTCTCCCTCTTGTCCCCAGGCTAGAGTGCAGTGGCGC-3'

ClinVar aggregate classification (germline): Benign (3 of 4 stars; one submission).

Conditions:
Breast-ovarian cancer, familial, susceptibility to, 1 (BROVCA1). Also called: BRCA1 Hereditary Breast and Ovarian Cancer; OVARIAN CANCER, SUSCEPTIBILITY TO. Identifiers: Orphanet 145, MedGen C2676676, MONDO:0011450, OMIM 604370. Disease mechanism: loss of function.

Submission:

Evidence-based Network for the Interpretation of Germline Mutant Alleles (ENIGMA)
Classification: Benign for Breast-ovarian cancer, familial, susceptibility to, 1. Last evaluated: 2016-09-28. Review status: reviewed by expert panel. Criteria: ENIGMA BRCA1/2 Classification Criteria (2015). Collection method: curation. Allele origin: germline.
Comment: Class 1 not pathogenic based on frequency >1% in an outbred sampleset. Frequency 0.3857 (European), 0.8994 (African), 0.3862 (Admixed American/Latino), 0.4554 (East Asian), 0.5562 (South Asian), derived from 1000 genomes (2013-05-02).